The following is an entry in ClinVar:

ClinVar aggregate classification (germline): Likely pathogenic (1 of 4 stars; one submission).

Conditions:
Methylcobalamin deficiency type cblG (HMAG). Also called: HOMOCYSTINURIA-MEGALOBLASTIC ANEMIA DUE TO DEFECT IN COBALAMIN METABOLISM, cblG COMPLEMENTATION TYPE; HOMOCYSTINURIA-MEGALOBLASTIC ANEMIA, cblG COMPLEMENTATION TYPE; HOMOCYSTINURIA-MEGALOBLASTIC ANEMIA, cblG TYPE; Functional methionine synthase deficiency type cblG. Identifiers: Orphanet 2170, Orphanet 622, MedGen C1855128, MONDO:0009609, OMIM 250940.

Allele frequency attached by ClinVar (database versions not stated): gnomAD exomes below 0.00001; TOPMed 0.00001.
gnomAD v4.1: 6 of 1,614,088 alleles (0.00037%); highest among the groups gnomAD compares: Admixed American, 0.0017%; no homozygotes.

Submission:

Labcorp Genetics (formerly Invitae), Labcorp
Classification: Likely pathogenic for Methylcobalamin deficiency type cblG. Last evaluated: 2023-12-04. Review status: criteria provided, single submitter. Criteria: Invitae Variant Classification Sherloc (09022015). Collection method: clinical testing. Allele origin: germline.
Comment: This sequence change falls in intron 28 of the MTR gene. It does not directly change the encoded amino acid sequence of the MTR protein. This variant is present in population databases (no rsID available, gnomAD 0.004%). This variant has been observed in individual(s) with cobalamin G deficiency (PMID: 22887477; Invitae). In at least one individual the data is consistent with being in trans (on the opposite chromosome) from a pathogenic variant. ClinVar contains an entry for this variant (Variation ID: 968857). Algorithms developed to predict the effect of sequence changes on RNA splicing suggest that this variant may disrupt the consensus splice site. In summary, the currently available evidence indicates that the variant is pathogenic, but additional data are needed to prove that conclusively. Therefore, this variant has been classified as Likely Pathogenic.

Literature cited by the submitters: PubMed 22887477.

NM_000254.3(MTR):c.3008-4A>G

Gene: MTR (5-methyltetrahydrofolate-homocysteine methyltransferase; plus strand). Cytogenetic location: 1q43.
Variant type: single nucleotide variant.
Coding change: c.3008-4A>G on transcript NM_000254.3 (MANE Select); 4 bases into the intron before coding-DNA position 3008, A replaced by G.
Molecular consequence: intron variant.
Genome position (GRCh38, 1-based): chr1:236,891,129, A>G. VCF-style: chr1-236891129-A-G. GRCh37 (hg19) VCF-style: chr1-237054429-A-G.
Other names: c.2855-4A>G (NM_001291939.1); c.1787-4A>G (NM_001291940.2).
Identifiers: ClinVar variation 968857 (VCV000968857.8), dbSNP rs1224783275, ClinGen allele CA529535234.
Genomic context (GRCh38, chr1:236,891,129, plus strand): 5'-GAAGCATTGTTTGATGGTTATTTTTGGCATCTTTAAGTGAATTCTAATTCTGTTTTTCTA[A>G]TAGGTGGAGAGGCCAGGAAGGTCTACGATGATGCCCACAATATGCTGAACACACTGATTA-3'